The following is an entry in ClinVar:

ClinVar aggregate classification (germline): Pathogenic (1 of 4 stars; one submission).

Conditions:
Congenital factor V deficiency. Also called: Hereditary factor V deficiency disease; LABILE FACTOR DEFICIENCY; OWREN PARAHEMOPHILIA; PARAHEMOPHILIA. Identifiers: Orphanet 326, MedGen C0015499, MONDO:0009210, OMIM 227400.

Allele frequency attached by ClinVar (database versions not stated): gnomAD exomes below 0.00001; ExAC 0.00001; gnomAD 0.00001.

Submission:

Labcorp Genetics (formerly Invitae), Labcorp
Classification: Pathogenic for Congenital factor V deficiency. Last evaluated: 2023-06-14. Review status: criteria provided, single submitter. Criteria: Invitae Variant Classification Sherloc (09022015). Collection method: clinical testing. Allele origin: germline.
Comment: This sequence change creates a premature translational stop signal (p.Ser52*) in the F5 gene. It is expected to result in an absent or disrupted protein product. Loss-of-function variants in F5 are known to be pathogenic (PMID: 30924984). The frequency data for this variant in the population databases is considered unreliable, as metrics indicate poor data quality at this position in the gnomAD database. This variant has not been reported in the literature in individuals affected with F5-related conditions. For these reasons, this variant has been classified as Pathogenic.

Literature cited by the submitters: PubMed 30924984.

NM_000130.5(F5):c.155C>G (p.Ser52Ter)

Gene: F5 (coagulation factor V; minus strand). Cytogenetic location: 1q24.2.
Variant type: single nucleotide variant.
Coding change: c.155C>G on transcript NM_000130.5 (MANE Select); coding-DNA position 155, C replaced by G.
Protein change: p.Ser52Ter; replaces serine 52 with a stop codon.
Molecular consequence: nonsense.
Genome position (GRCh38, 1-based): chr1:169,586,232, G>C on the plus strand (C>G on the coding strand, the complement: F5 is on the minus strand). VCF-style: chr1-169586232-G-C. GRCh37 (hg19) VCF-style: chr1-169555470-G-C.
Other names: short protein forms S52*.
Identifiers: ClinVar variation 2885367 (VCV002885367.3), dbSNP rs779040384, ClinGen allele CA1234730.
Genomic context (GRCh38, chr1:169,586,232, plus strand): 5'-AAAAGAAATAGATTTTCCTCTCTAGAGAAGCCCACCCGGACTCCACACCTGAGTTACCTT[G>C]AGTTTGTGGGCTCAGGTCGGTAGCTCCAACTGATGCCCTGAGCAGCCACGTAGAACTGCC-3'